The following is an entry in ClinVar:

NM_018834.6(MATR3):c.2128G>T (p.Ala710Ser)

Genes: MATR3 (matrin 3; plus strand), LOC126807526 (CDK7 strongly-dependent group 2 enhancer GRCh37_chr5:138657767-138658966; plus strand). Cytogenetic location: 5q31.2.
Variant type: single nucleotide variant.
Coding change: c.2128G>T on transcript NM_018834.6 (MANE Select); coding-DNA position 2128, G replaced by T.
Protein change: p.Ala710Ser; replaces alanine 710 with serine.
Molecular consequence: missense variant.
Genome position (GRCh38, 1-based): chr5:139,322,947, G>T. VCF-style: chr5-139322947-G-T. GRCh37 (hg19) VCF-style: chr5-138658636-G-T.
Other names: c.2128G>T, p.Ala710Ser (NM_001400450.1, NM_001400451.1, NM_001400452.1 and 16 more transcripts); c.1267G>T, p.Ala423Ser (NM_001400459.1); c.1114G>T, p.Ala372Ser (NM_001400460.1, NM_001282278.2, NM_001400462.1 and 5 more transcripts); c.1264G>T, p.Ala422Ser (NM_001194956.2); c.1228G>T, p.Ala410Ser (NM_001400461.1); short protein forms A422S, A710S, A372S, A423S, A410S.
Identifiers: ClinVar variation 2822090 (VCV002822090.3), dbSNP rs1314919388, ClinGen allele CA361144988.

ClinVar aggregate classification (germline): Uncertain significance (1 of 4 stars; one submission).

Conditions:
Amyotrophic lateral sclerosis type 21. Also called: MYOPATHY, DISTAL, 2; VOCAL CORD AND PHARYNGEAL DYSFUNCTION WITH DISTAL MYOPATHY. Identifiers: Orphanet 600, Orphanet 803, MedGen C3807521, MONDO:0011632, OMIM 606070.

Submission:

Labcorp Genetics (formerly Invitae), Labcorp
Classification: Uncertain significance for Amyotrophic lateral sclerosis type 21. Last evaluated: 2022-12-18. Review status: criteria provided, single submitter. Criteria: Invitae Variant Classification Sherloc (09022015). Collection method: clinical testing. Allele origin: germline.
Comment: This sequence change replaces alanine, which is neutral and non-polar, with serine, which is neutral and polar, at codon 710 of the MATR3 protein (p.Ala710Ser). This variant is not present in population databases (gnomAD no frequency). This variant has not been reported in the literature in individuals affected with MATR3-related conditions. Advanced modeling of protein sequence and biophysical properties (such as structural, functional, and spatial information, amino acid conservation, physicochemical variation, residue mobility, and thermodynamic stability) performed at Invitae indicates that this missense variant is not expected to disrupt MATR3 protein function. In summary, the available evidence is currently insufficient to determine the role of this variant in disease. Therefore, it has been classified as a Variant of Uncertain Significance.